The following is an entry in ClinVar:

NM_000163.5(GHR):c.1541G>T (p.Cys514Phe)

Gene: GHR (growth hormone receptor; plus strand). Cytogenetic location: 5p12.
Variant type: single nucleotide variant.
Coding change: c.1541G>T on transcript NM_000163.5 (MANE Select); coding-DNA position 1541, G replaced by T.
Protein change: p.Cys514Phe; replaces cysteine 514 with phenylalanine.
Molecular consequence: missense variant. On other transcripts: 3 prime UTR variant (1).
Genome position (GRCh38, 1-based): chr5:42,719,048, G>T. VCF-style: chr5-42719048-G-T. GRCh37 (hg19) VCF-style: chr5-42719150-G-T.
Other names: c.1562G>T, p.Cys521Phe (NM_001242399.2); c.1541G>T, p.Cys514Phe (NM_001242400.2, NM_001242401.4, NM_001242402.2 and 4 more transcripts); c.1475G>T, p.Cys492Phe (NM_001242460.2); c.*583G>T (NM_001242462.1); short protein forms C492F, C514F, C521F.
Identifiers: ClinVar variation 1723121 (VCV001723121.2), dbSNP rs2530781701, ClinGen allele CA359630446.

ClinVar aggregate classification (germline): Uncertain significance (1 of 4 stars; one submission).

Submission:

GeneDx
Classification: Uncertain significance. Last evaluated: 2022-05-05. Review status: criteria provided, single submitter. Criteria: GeneDx Variant Classification Process June 2021. Collection method: clinical testing. Allele origin: germline. Affected: yes.
Comment: Not observed at significant frequency in large population cohorts (gnomAD); In silico analysis supports that this missense variant has a deleterious effect on protein structure/function; Has not been previously published as pathogenic or benign to our knowledge